The following is an entry in ClinVar:

ClinVar aggregate classification (germline): Conflicting classifications of pathogenicity. Review status: criteria provided, conflicting classifications (1 of 4 stars). 9 submissions from 9 submitters: Uncertain significance (4); Likely benign (5). Last evaluated 2026-09-04.

Conditions:
PKP2-related disorder. Also called: PKP2-related condition.
Cardiovascular phenotype. Identifiers: MedGen CN230736.
Cardiomyopathy (CMYO). Also called: Cardiomyopathies. Identifiers: Orphanet 167848, MedGen C0878544, MONDO:0004994, HP:0001638. Inheritance: Various modes of inheritance.
Arrhythmogenic right ventricular cardiomyopathy (ARVD). Also called: Arrhythmogenic cardiomyopathy; Arrhythmogenic Right Ventricular Cardiomyopathy (ARVC); Arrhythmogenic right ventricular dysplasia; Cardiomyopathy, ARVC. Identifiers: Orphanet 247, MedGen C0349788, MeSH D019571, MONDO:0016587. Disease mechanism: loss of function. Inheritance: Various modes of inheritance.
Arrhythmogenic right ventricular dysplasia 9 (ARVD9). Also called: Arrhythmogenic Right Ventricular Dysplasia/Cardiomyopathy 9; ARRHYTHMOGENIC RIGHT VENTRICULAR DYSPLASIA, FAMILIAL, 9. Identifiers: MedGen C1836906, MONDO:0012180, OMIM 609040.

Allele frequency attached by ClinVar (database versions not stated): ExAC 0.00004; gnomAD exomes 0.00006; TOPMed 0.00019; ESP Exome Variant Server 0.00023; gnomAD 0.00024 and 0.00026.
gnomAD v4.1: 74 of 1,614,126 alleles (0.0046%); highest among the groups gnomAD compares: African/African-American, 0.085%; no homozygotes.

Submissions (9):

GeneDx
Classification: Uncertain significance. Last evaluated: 2026-09-04. Review status: criteria provided, single submitter. Criteria: GeneDx Variant Classification Process June 2021. Collection method: clinical testing. Allele origin: germline.
Comment: Has not been previously published as pathogenic or benign to our knowledge; In silico analysis suggests that this missense variant does not alter protein structure/function; This variant is associated with the following publications: (PMID: 17908752)

PreventionGenetics, part of Exact Sciences
Classification: Likely benign for PKP2-related condition. Last evaluated: 2026-05-31. Review status: criteria provided, single submitter. Criteria: ACMG Guidelines, 2015. Collection method: clinical testing. Allele origin: germline.
Comment: This variant is classified as likely benign based on ACMG/AMP sequence variant interpretation guidelines (Richards et al. 2015 PMID: 25741868, with internal and published modifications).

Women's Health and Genetics/Laboratory Corporation of America, LabCorp
Classification: Uncertain significance. Last evaluated: 2025-03-17. Review status: criteria provided, single submitter. Criteria: LabCorp Variant Classification Summary - May 2015. Collection method: clinical testing. Allele origin: germline.

Labcorp Genetics (formerly Invitae), Labcorp
Classification: Uncertain significance for Arrhythmogenic right ventricular dysplasia 9. Last evaluated: 2025-01-12. Review status: criteria provided, single submitter. Criteria: Invitae Variant Classification Sherloc (09022015). Collection method: clinical testing. Allele origin: germline.
Comment: This sequence change replaces glycine, which is neutral and non-polar, with alanine, which is neutral and non-polar, at codon 328 of the PKP2 protein (p.Gly328Ala). This variant is present in population databases (rs144651139, gnomAD 0.07%). This variant has not been reported in the literature in individuals affected with PKP2-related conditions. ClinVar contains an entry for this variant (Variation ID: 629764). An algorithm developed to predict the effect of missense changes on protein structure and function outputs the following: PolyPhen-2: "Benign". The alanine amino acid residue is found in multiple mammalian species, which suggests that this missense change does not adversely affect protein function. In summary, the available evidence is currently insufficient to determine the role of this variant in disease. Therefore, it has been classified as a Variant of Uncertain Significance.

All of Us Research Program, National Institutes of Health
Classification: Likely benign for Arrhythmogenic right ventricular cardiomyopathy. Last evaluated: 2024-09-27. Review status: criteria provided, single submitter. Criteria: ACMG Guidelines, 2015. Collection method: clinical testing. Allele origin: germline. Inheritance: Autosomal dominant inheritance. Observed: 18 variant alleles, 18 heterozygotes.
Comment: This study involves interpretation of variants in research participants for the purpose of population health screening. Participant phenotype was not available at the time of variant classification. Additional details can be found in publication PMID: 35346344, PMCID: PMC8962531

Blueprint Genetics
Classification: Likely benign. Last evaluated: 2023-06-20. Review status: criteria provided, single submitter. Criteria: ACMG Guidelines, 2015. Collection method: clinical testing. Allele origin: germline.

Color Diagnostics, LLC DBA Color Health
Classification: Likely benign for Cardiomyopathy. Last evaluated: 2022-06-08. Review status: criteria provided, single submitter. Criteria: ACMG Guidelines, 2015. Collection method: clinical testing. Allele origin: germline.

Ambry Genetics
Classification: Likely benign for Cardiovascular phenotype. Last evaluated: 2021-09-01. Review status: criteria provided, single submitter. Criteria: Ambry Variant Classification Scheme 2023. Collection method: clinical testing. Allele origin: germline.

ARUP Laboratories, Molecular Genetics and Genomics, ARUP Laboratories
Classification: Uncertain significance for Arrhythmogenic right ventricular dysplasia 9. Last evaluated: 2018-07-18. Review status: criteria provided, single submitter. Criteria: ARUP Molecular Germline Variant Investigation Process. Collection method: clinical testing. Allele origin: germline.
Comment: The PKP2 c.983G>C; p.Gly328Ala variant (rs144651139), to our knowledge, is not reported in the medical literature. This variant is found in the general population with an overall allele frequency of 0.007% (19/275864 alleles) in the Genome Aggregation Database. The glycine at codon 328 is weakly conserved, and computational analyses (SIFT, PolyPhen-2) predict that this variant is tolerated. Due to the absence of clinical and functional information, the clinical significance of the p.Gly328Ala variant is uncertain at this time.

NM_001005242.3(PKP2):c.983G>C (p.Gly328Ala)

Gene: PKP2 (plakophilin 2; minus strand). Cytogenetic location: 12p11.21.
Variant type: single nucleotide variant.
Coding change: c.983G>C on transcript NM_001005242.3 (MANE Select); coding-DNA position 983, G replaced by C.
Protein change: p.Gly328Ala; replaces glycine 328 with alanine.
Molecular consequence: missense variant.
Genome position (GRCh38, 1-based): chr12:32,877,897, C>G on the plus strand (G>C on the coding strand, the complement: PKP2 is on the minus strand). VCF-style: chr12-32877897-C-G. GRCh37 (hg19) VCF-style: chr12-33030831-C-G.
Other names: c.983G>C, p.Gly328Ala (NM_004572.4); short protein forms G328A.
Identifiers: ClinVar variation 629764 (VCV000629764.25), dbSNP rs144651139, ClinGen allele CA039869.